The following is an entry in ClinVar:

ClinVar aggregate classification (germline): Uncertain significance. Review status: criteria provided, single submitter (1 of 4 stars). 2 submissions from 2 submitters: Uncertain significance (1). 1 of the submissions does not count toward it. Last evaluated 2024-12-18.

Conditions:
Sandhoff disease. Also called: GM2-GANGLIOSIDOSIS, TYPE II; HEXOSAMINIDASES A AND B DEFICIENCY; Beta-hexosaminidase-beta-subunit deficiency; GM2 gangliosidosis, type 2; Total hexosaminidase deficiency; Sandhoff-Jatzkewitz-Pilz disease. Identifiers: Orphanet 796, MedGen C0036161, MONDO:0010006, OMIM 268800.

Submissions (2):

Labcorp Genetics (formerly Invitae), Labcorp
Classification: Uncertain significance for Sandhoff disease. Last evaluated: 2024-12-18. Review status: criteria provided, single submitter. Criteria: Invitae Variant Classification Sherloc (09022015). Collection method: clinical testing. Allele origin: germline.
Comment: This variant, c.230_232del, results in the deletion of 1 amino acid(s) of the HEXB protein (p.Phe77del), but otherwise preserves the integrity of the reading frame. This variant is not present in population databases (gnomAD no frequency). This variant has not been reported in the literature in individuals affected with HEXB-related conditions. ClinVar contains an entry for this variant (Variation ID: 554886). Experimental studies and prediction algorithms are not available or were not evaluated, and the functional significance of this variant is currently unknown. In summary, the available evidence is currently insufficient to determine the role of this variant in disease. Therefore, it has been classified as a Variant of Uncertain Significance.

Counsyl
Classification: Uncertain significance for Sandhoff disease. Last evaluated: 2017-11-08. Review status: no assertion criteria provided. Collection method: clinical testing. Allele origin: unknown. Not counted in ClinVar's aggregate classification.

NM_000521.4(HEXB):c.230_232del (p.Phe77del)

Gene: HEXB (hexosaminidase subunit beta; plus strand). Cytogenetic location: 5q13.3.
Variant type: Deletion.
Coding change: c.230_232del on transcript NM_000521.4 (MANE Select); coding-DNA positions 230 to 232, 3 bases deleted (TCT; older notation c.230_232delTCT).
Protein change: p.Phe77del; deletes phenylalanine 77.
Molecular consequence: inframe deletion. On other transcripts: intron variant (1).
Genome position (GRCh38, 1-based): chr5:74,685,490-74,685,492, TCT deleted; deleting any 3 consecutive bases within chr5:74,685,488-74,685,492 gives the same sequence; the c. name uses the placement nearest the transcript's 3' end. VCF-style (leftmost placement, unchanged base first): chr5-74685487-ACTT-A. GRCh37 (hg19) VCF-style: chr5-73981312-ACTT-A.
Other names: c.-376-3838_-376-3836del (NM_001292004.2); short protein forms F77del.
Identifiers: ClinVar variation 554886 (VCV000554886.5), dbSNP rs1554034490, ClinGen allele CA658822008.